The following is an entry in ClinVar:

ClinVar aggregate classification (germline): Likely pathogenic (1 of 4 stars; one submission).

Conditions:
Dilated cardiomyopathy 1G (CMD1G). Identifiers: Orphanet 154, MedGen C1858763, MONDO:0011400, OMIM 604145.
Autosomal recessive limb-girdle muscular dystrophy type 2J (LGMDR10). Also called: Limb-girdle muscular dystrophy, type 2J; MUSCULAR DYSTROPHY, LIMB-GIRDLE, AUTOSOMAL RECESSIVE 10. Identifiers: Orphanet 140922, MedGen C1837342, MONDO:0012127, OMIM 608807.

Submission:

Labcorp Genetics (formerly Invitae), Labcorp
Classification: Likely pathogenic for Dilated cardiomyopathy 1G; Autosomal recessive limb-girdle muscular dystrophy type 2J. Last evaluated: 2019-11-12. Review status: criteria provided, single submitter. Criteria: Invitae Variant Classification Sherloc (09022015). Collection method: clinical testing. Allele origin: germline.
Comment: In summary, the currently available evidence indicates that the variant is pathogenic, but additional data are needed to prove that conclusively. Therefore, this variant has been classified as Likely Pathogenic. This variant is located in the A band of TTN (PMID: 25589632). Truncating variants in this region are significantly overrepresented in patients affected with dilated cardiomyopathy (PMID: 25589632). Truncating variants in this region have also been reported in individuals affected with autosomal recessive centronuclear myopathy (PMID: 23975875). This variant has not been reported in the literature in individuals with TTN-related conditions. This variant is not present in population databases (ExAC no frequency). This sequence change results in a premature translational stop signal in the TTN gene (p.Trp19420Glyfs*16). While this is not anticipated to result in nonsense mediated decay, it is expected to create a truncated TTN protein.

Literature cited by the submitters: PubMed 25589632; PubMed 23975875.

NM_001267550.2(TTN):c.58258del (p.Trp19420fs)

Genes: TTN-AS1 (TTN antisense RNA 1; plus strand), TTN (titin; minus strand). Cytogenetic location: 2q31.2.
Variant type: Deletion.
Coding change: c.58258del on transcript NM_001267550.2 (MANE Select); coding-DNA position 58258, one base deleted (T; older notation c.58258delT).
Protein change: p.Trp19420fs; shifts the reading frame from tryptophan 19420.
Molecular consequence: frameshift variant.
Genome position (GRCh38, 1-based): chr2:178,594,135, A deleted on the plus strand (T on the coding strand, the reverse complement: TTN is on the minus strand). VCF-style (leftmost placement, unchanged base first): chr2-178594134-CA-C. GRCh37 (hg19) VCF-style: chr2-179458861-CA-C.
Other names: c.53335del, p.Trp17779fs (NM_001256850.1); c.31063del, p.Trp10355fs (NM_003319.4); c.50554del, p.Trp16852fs (NM_133378.4); c.31438del, p.Trp10480fs (NM_133432.3); c.31639del, p.Trp10547fs (NM_133437.4); short protein forms W10355fs, W10547fs, W10480fs, W16852fs, W17779fs, W19420fs.
Identifiers: ClinVar variation 966116 (VCV000966116.10), dbSNP rs2050888713, ClinGen allele CA1139655754.